The following is an entry in ClinVar:

NM_000747.3(CHRNB1):c.1292del (p.Pro431fs)

Gene: CHRNB1 (cholinergic receptor nicotinic beta 1 subunit; plus strand). Cytogenetic location: 17p13.1.
Variant type: Deletion.
Coding change: c.1292del on transcript NM_000747.3 (MANE Select); coding-DNA position 1292, one base deleted (C; older notation c.1292delC).
Protein change: p.Pro431fs; shifts the reading frame from proline 431.
Molecular consequence: frameshift variant.
Genome position (GRCh38, 1-based): chr17:7,455,868, C deleted; the last of 2 consecutive C bases (chr17:7,455,867-7,455,868); deleting either gives the same sequence. VCF-style (leftmost placement, unchanged base first): chr17-7455866-TC-T. GRCh37 (hg19) VCF-style: chr17-7359185-TC-T.
Other names: short protein forms P431fs.
Identifiers: ClinVar variation 647770 (VCV000647770.10), dbSNP rs1239393228, ClinGen allele CA497744995.

ClinVar aggregate classification (germline): Conflicting classifications of pathogenicity. Review status: criteria provided, conflicting classifications (1 of 4 stars). 3 submissions from 3 submitters: Pathogenic (2); Uncertain significance (1). Last evaluated 2025-10-31.

Conditions:
Congenital myasthenic syndrome 2A. Also called: Myasthenic syndrome, congenital, 2a, slow-channel. Identifiers: Orphanet 590, MedGen C4225374, MONDO:0014581, OMIM 616313.
Congenital myasthenic syndrome 2C. Also called: Myasthenic syndrome, congenital, 2C, associated with acetylcholine receptor deficiency. Identifiers: Orphanet 590, MedGen C4225373, MONDO:0014582, OMIM 616314.

Submissions (3):

Variantyx, Inc.
Classification: Pathogenic for Congenital myasthenic syndrome 2C. Last evaluated: 2025-10-31. Review status: criteria provided, single submitter. Criteria: Variantyx Assertion Criteria 2022. Collection method: clinical testing. Allele origin: germline. Inheritance: Autosomal recessive inheritance. Affected: yes.
Comment: This is a frameshift variant in the CHRNB1 gene (OMIM: 100710). Pathogenic variants in this gene have been associated with autosomal recessive congenital myasthenic syndrome 2C. This variant introduces a premature termination codon in exon 10 out of 11. While it is expected to escape nonsense-mediated decay, another downstream variant has been found to be pathogenic (p.Glu449_Glu451del) (PMID: 10562302) (PVS1). The clinical symptoms reported for this proband are highly specific for autosomal recessive congenital myasthenic syndrome associated with acetylcholine receptor (AChR) deficiency 2C, which has a limited genetic etiology (PMID: 33060286) (PP4). This variant has a 0.0008% maximum allele frequency in non-founder control populations (PM2). T. Based on the current evidence, this variant is classified as pathogenic for autosomal recessive congenital myasthenic syndrome deficiency 2C.

Revvity Omics, Revvity
Classification: Uncertain significance. Last evaluated: 2025-04-24. Review status: criteria provided, single submitter. Criteria: ACMG Guidelines, 2015. Collection method: clinical testing. Allele origin: germline.

Labcorp Genetics (formerly Invitae), Labcorp
Classification: Pathogenic for Congenital myasthenic syndrome 2A. Last evaluated: 2025-01-15. Review status: criteria provided, single submitter. Criteria: Invitae Variant Classification Sherloc (09022015). Collection method: clinical testing. Allele origin: germline.
Comment: This sequence change creates a premature translational stop signal (p.Pro431Argfs*26) in the CHRNB1 gene. While this is not anticipated to result in nonsense mediated decay, it is expected to disrupt the last 71 amino acid(s) of the CHRNB1 protein. This variant is present in population databases (no rsID available, gnomAD 0.0009%). This variant has not been reported in the literature in individuals affected with CHRNB1-related conditions. ClinVar contains an entry for this variant (Variation ID: 647770). This variant disrupts a region of the CHRNB1 protein in which other variant(s) (p.Glu449_Glu451del) have been determined to be pathogenic (PMID: 10562302). This suggests that this is a clinically significant region of the protein, and that variants that disrupt it are likely to be disease-causing. For these reasons, this variant has been classified as Pathogenic.

Literature cited by the submitters: PubMed 10562302 (cited by Variantyx, Inc. and Labcorp Genetics (formerly Invitae), Labcorp); PubMed 33060286 (cited by Variantyx, Inc.).